The following is an entry in ClinVar:

ClinVar aggregate classification (germline): Uncertain significance. Review status: criteria provided, multiple submitters, no conflicts (2 of 4 stars). 4 submissions from 4 submitters: Uncertain significance (4). Last evaluated 2025-09-16.

Conditions:
Familial meningioma. Also called: Meningioma, familial, susceptibility to. Identifiers: Orphanet 263662, MedGen C3551915, MONDO:0011789, OMIM 607174.
Hereditary cancer-predisposing syndrome. Also called: Tumor predisposition; Neoplastic Syndromes, Hereditary; Hereditary Cancer Syndrome; Hereditary neoplastic syndrome. Identifiers: Orphanet 140162, MedGen C0027672, MeSH D009386, MONDO:0015356.
Neurofibromatosis, type 2 (SWNV). Also called: BILATERAL ACOUSTIC NEUROFIBROMATOSIS; SCHWANNOMATOSIS, VESTIBULAR; NF2-Related Schwannomatosis. Identifiers: Orphanet 637, MedGen C0027832, MONDO:0007039, OMIM 101000. Disease mechanism: loss of function.

Allele frequency attached by ClinVar (database versions not stated): gnomAD exomes below 0.00001; TOPMed below 0.00001.

Submissions (4):

Labcorp Genetics (formerly Invitae), Labcorp
Classification: Uncertain significance for Neurofibromatosis, type 2. Last evaluated: 2025-09-16. Review status: criteria provided, single submitter. Criteria: Invitae Variant Classification Sherloc (09022015). Collection method: clinical testing. Allele origin: germline.
Comment: This sequence change replaces proline, which is neutral and non-polar, with serine, which is neutral and polar, at codon 19 of the NF2 protein (p.Pro19Ser). The frequency data for this variant in the population databases is considered unreliable, as metrics indicate poor data quality at this position in the gnomAD database. This variant has not been reported in the literature in individuals affected with NF2-related conditions. ClinVar contains an entry for this variant (Variation ID: 1484088). An algorithm developed to predict the effect of missense changes on protein structure and function (PolyPhen-2) suggests that this variant is likely to be tolerated. In summary, the available evidence is currently insufficient to determine the role of this variant in disease. Therefore, it has been classified as a Variant of Uncertain Significance.

Ambry Genetics
Classification: Uncertain significance for Hereditary cancer-predisposing syndrome. Last evaluated: 2024-12-31. Review status: criteria provided, single submitter. Criteria: Ambry Variant Classification Scheme 2023. Collection method: clinical testing. Allele origin: germline.
Comment: The p.P19S variant (also known as c.55C>T), located in coding exon 1 of the NF2 gene, results from a C to T substitution at nucleotide position 55. The proline at codon 19 is replaced by serine, an amino acid with similar properties. This amino acid position is highly conserved in available vertebrate species. In addition, this alteration is predicted to be tolerated by in silico analysis. Since supporting evidence is limited at this time, the clinical significance of this alteration remains unclear.

GeneDx
Classification: Uncertain significance. Last evaluated: 2024-12-13. Review status: criteria provided, single submitter. Criteria: GeneDx Variant Classification Process June 2021. Collection method: clinical testing. Allele origin: germline. Affected: yes.
Comment: In silico analysis supports that this missense variant has a deleterious effect on protein structure/function; Has not been previously published as pathogenic or benign to our knowledge; This variant is associated with the following publications: (PMID: 11756419, 16324214)

Baylor Genetics
Classification: Uncertain significance for Familial meningioma. Last evaluated: 2023-11-02. Review status: criteria provided, single submitter. Criteria: ACMG Guidelines, 2015. Collection method: clinical testing. Allele origin: unknown.

NM_000268.4(NF2):c.55C>T (p.Pro19Ser)

Gene: NF2 (NF2, moesin-ezrin-radixin like (MERLIN) tumor suppressor; plus strand). Cytogenetic location: 22q12.2.
Variant type: single nucleotide variant.
Coding change: c.55C>T on transcript NM_000268.4 (MANE Select); coding-DNA position 55, C replaced by T.
Protein change: p.Pro19Ser; replaces proline 19 with serine.
Molecular consequence: missense variant. On other transcripts: non-coding transcript variant (1).
Genome position (GRCh38, 1-based): chr22:29,604,053, C>T. VCF-style: chr22-29604053-C-T. GRCh37 (hg19) VCF-style: chr22-30000042-C-T.
Other names: c.55C>T, p.Pro19Ser (NM_016418.5, NM_181825.3, NM_181828.3 and 5 more transcripts); short protein forms P19S.
Identifiers: ClinVar variation 1484088 (VCV001484088.13), dbSNP rs1477242482, ClinGen allele CA411145980.